The following is an entry in ClinVar:

NM_001211.6(BUB1B):c.2162C>G (p.Pro721Arg)

Gene: BUB1B (BUB1 mitotic checkpoint serine/threonine kinase B; plus strand). Cytogenetic location: 15q15.1.
Variant type: single nucleotide variant.
Coding change: c.2162C>G on transcript NM_001211.6 (MANE Select); coding-DNA position 2162, C replaced by G.
Protein change: p.Pro721Arg; replaces proline 721 with arginine.
Molecular consequence: missense variant.
Genome position (GRCh38, 1-based): chr15:40,209,653, C>G. VCF-style: chr15-40209653-C-G. GRCh37 (hg19) VCF-style: chr15-40501854-C-G.
Other names: short protein forms P721R.
Identifiers: ClinVar variation 1786929 (VCV001786929.2), dbSNP rs2542571599, ClinGen allele CA391694166.
Genomic context (GRCh38, chr15:40,209,653, plus strand): 5'-TTTTTTTGGTGATATATTTTCACCTTTCCCTCCCACTGGCAGAAAACCCTACTCAGTCAC[C>G]ATGGTGTTCACAGTATCGCAGACAGCTACTGAAGTCCCTACCAGAGTTAAGTGCCTCTGC-3'
Protein context (NP_001202.5, residues 711-731): NETSENPTQS[Pro721Arg]WCSQYRRQLL

ClinVar aggregate classification (germline): Uncertain significance (1 of 4 stars; one submission).

Conditions:
Inborn genetic diseases. Identifiers: MedGen C0950123, MeSH D030342.

Submission:

Ambry Genetics
Classification: Uncertain significance for Inborn genetic diseases. Last evaluated: 2022-05-19. Review status: criteria provided, single submitter. Criteria: Ambry Variant Classification Scheme 2023. Collection method: clinical testing. Allele origin: germline.
Comment: The p.P721R variant (also known as c.2162C>G), located in coding exon 17 of the BUB1B gene, results from a C to G substitution at nucleotide position 2162. The proline at codon 721 is replaced by arginine, an amino acid with dissimilar properties. This amino acid position is conserved. In addition, this alteration is predicted to be tolerated by in silico analysis. Since supporting evidence is limited at this time, the clinical significance of this alteration remains unclear.